The following is an entry in ClinVar:

ClinVar aggregate classification (germline): Uncertain significance (1 of 4 stars; one submission).

Conditions:
Hereditary cancer-predisposing syndrome. Also called: Tumor predisposition; Neoplastic Syndromes, Hereditary; Hereditary neoplastic syndrome; Hereditary Cancer Syndrome. Identifiers: Orphanet 140162, MedGen C0027672, MeSH D009386, MONDO:0015356.

gnomAD v4.1: 1 of 1,613,406 alleles (0.000062%); highest among the groups gnomAD compares: South Asian, 0.0011%; no homozygotes.

Submission:

Ambry Genetics
Classification: Uncertain significance for Hereditary cancer-predisposing syndrome. Last evaluated: 2024-08-24. Review status: criteria provided, single submitter. Criteria: Ambry Variant Classification Scheme 2023. Collection method: clinical testing. Allele origin: germline.
Comment: The p.Q785R variant (also known as c.2354A>G), located in coding exon 20 of the TSC2 gene, results from an A to G substitution at nucleotide position 2354. The glutamine at codon 785 is replaced by arginine, an amino acid with highly similar properties. This amino acid position is conserved. In addition, this alteration is predicted to be deleterious by in silico analysis. Based on the available evidence, the clinical significance of this variant remains unclear.

NM_000548.5(TSC2):c.2354A>G (p.Gln785Arg)

Gene: TSC2 (TSC complex subunit 2; plus strand). Cytogenetic location: 16p13.3.
Variant type: single nucleotide variant.
Coding change: c.2354A>G on transcript NM_000548.5 (MANE Select); coding-DNA position 2354, A replaced by G.
Protein change: p.Gln785Arg; replaces glutamine 785 with arginine.
Molecular consequence: missense variant. On other transcripts: non-coding transcript variant (5).
Genome position (GRCh38, 1-based): chr16:2,072,982, A>G. VCF-style: chr16-2072982-A-G. GRCh37 (hg19) VCF-style: chr16-2122983-A-G.
Other names: c.2354A>G, p.Gln785Arg (NM_001077183.3, NM_001114382.3, NM_001363528.2 and 6 more transcripts); c.2243A>G, p.Gln748Arg (NM_001318827.2, NM_001406670.1, NM_001406678.1); c.2207A>G, p.Gln736Arg (NM_001318829.2, NM_001406675.1, NM_001406676.1 and 1 more transcripts); c.1754A>G, p.Gln585Arg (NM_001318831.2, NM_001406680.1, NM_001406682.1 and 6 more transcripts); c.2387A>G, p.Gln796Arg (NM_001318832.2); c.2444A>G, p.Gln815Arg (NM_001406667.1, NM_001406668.1); c.2342A>G, p.Gln781Arg (NM_001406671.1, NM_001406673.1); c.2297A>G, p.Gln766Arg (NM_001406677.1); and 3 more; short protein forms Q736R, Q815R, Q631R, Q748R, Q337R, Q781R, Q796R, Q251R.
Identifiers: ClinVar variation 3462608 (VCV003462608.1).
Genomic context (GRCh38, chr16:2,072,982, plus strand): 5'-CCGTGGTTCCAGTGCTGACAGCATTAATCTCTTACCATAACTACCTGGACAAAACCAAAC[A>G]GGTAGGAGGTCAGAGCAGGACAGGCGAGCTTGATGGGGCCTGGGATTCGAGGGCCTGGCC-3'
Protein context (NP_000539.2, residues 775-795): SYHNYLDKTK[Gln785Arg]REMVYCLEQG